The following is an entry in ClinVar:

ClinVar aggregate classification (germline): Likely benign. Review status: criteria provided, multiple submitters, no conflicts (2 of 4 stars). 2 submissions from 2 submitters: Likely benign (2). Last evaluated 2024-11-26.

Conditions:
SERPINI1-related disorder. Also called: SERPINI1-related condition.
Familial encephalopathy with neuroserpin inclusion bodies. Also called: ENCEPHALOPATHY, FAMILIAL, WITH COLLINS BODIES. Identifiers: Orphanet 85110, MedGen C1858680, MONDO:0011412, OMIM 604218.

Allele frequency attached by ClinVar (database versions not stated): ExAC 0.00001; gnomAD exomes 0.00001; TOPMed 0.00003; ESP Exome Variant Server 0.00008.
gnomAD v4.1: 5 of 1,614,030 alleles (0.00031%); highest among the groups gnomAD compares: African/African-American, 0.004%; no homozygotes.

Submissions (2):

Labcorp Genetics (formerly Invitae), Labcorp
Classification: Likely benign for Familial encephalopathy with neuroserpin inclusion bodies. Last evaluated: 2024-11-26. Review status: criteria provided, single submitter. Criteria: Invitae Variant Classification Sherloc (09022015). Collection method: clinical testing. Allele origin: germline.

PreventionGenetics, part of Exact Sciences
Classification: Likely benign for SERPINI1-related condition. Last evaluated: 2024-10-18. Review status: criteria provided, single submitter. Criteria: ACMG Guidelines, 2015. Collection method: clinical testing. Allele origin: germline.
Comment: This variant is classified as likely benign based on ACMG/AMP sequence variant interpretation guidelines (Richards et al. 2015 PMID: 25741868, with internal and published modifications).

NM_001122752.2(SERPINI1):c.342G>A (p.Val114=)

Gene: SERPINI1 (serpin family I member 1; plus strand). Cytogenetic location: 3q26.1.
Variant type: single nucleotide variant.
Coding change: c.342G>A on transcript NM_001122752.2 (MANE Select); coding-DNA position 342, G replaced by A.
Protein change: p.Val114=; no amino-acid change (valine 114 retained).
Molecular consequence: synonymous variant.
Genome position (GRCh38, 1-based): chr3:167,790,463, G>A. VCF-style: chr3-167790463-G-A. GRCh37 (hg19) VCF-style: chr3-167508251-G-A.
Other names: c.342G>A, p.Val114= (NM_005025.5); c.342G>A (NM_005025.4).
Identifiers: ClinVar variation 1137644 (VCV001137644.10), dbSNP rs373426986, ClinGen allele CA2694786.